The following is an entry in ClinVar:

ClinVar aggregate classification (germline): Likely benign. Review status: criteria provided, multiple submitters, no conflicts (2 of 4 stars). 3 submissions from 3 submitters: Likely benign (3). Last evaluated 2025-12-16.

Conditions:
MCM3AP-related disorder. Also called: MCM3AP-related condition.

Submissions (3):

Labcorp Genetics (formerly Invitae), Labcorp
Classification: Likely benign. Last evaluated: 2025-12-16. Review status: criteria provided, single submitter. Criteria: Invitae Variant Classification Sherloc (09022015). Collection method: clinical testing. Allele origin: germline.

PreventionGenetics, part of Exact Sciences
Classification: Likely benign for MCM3AP-related condition. Last evaluated: 2025-04-08. Review status: criteria provided, single submitter. Criteria: ACMG Guidelines, 2015. Collection method: clinical testing. Allele origin: germline.
Comment: This variant is classified as likely benign based on ACMG/AMP sequence variant interpretation guidelines (Richards et al. 2015 PMID: 25741868, with internal and published modifications).

Blueprint Genetics
Classification: Likely benign. Last evaluated: 2024-10-22. Review status: criteria provided, single submitter. Criteria: ACMG Guidelines, 2015. Collection method: clinical testing. Allele origin: germline.

NM_003906.5(MCM3AP):c.3519C>G (p.Ala1173=)

Gene: MCM3AP (minichromosome maintenance complex component 3 associated protein; minus strand). Cytogenetic location: 21q22.3.
Variant type: single nucleotide variant.
Coding change: c.3519C>G on transcript NM_003906.5 (MANE Select); coding-DNA position 3519, C replaced by G.
Protein change: p.Ala1173=; no amino-acid change (alanine 1173 retained).
Molecular consequence: synonymous variant.
Genome position (GRCh38, 1-based): chr21:46,260,855, G>C on the plus strand (C>G on the coding strand, the complement: MCM3AP is on the minus strand). VCF-style: chr21-46260855-G-C. GRCh37 (hg19) VCF-style: chr21-47680769-G-C.
Other names: c.3519C>G (NM_003906.4).
Identifiers: ClinVar variation 1622651 (VCV001622651.10), dbSNP rs8131674, ClinGen allele CA10076470.
Genomic context (GRCh38, chr21:46,260,855, plus strand): 5'-CAACTCCTGGGAGCAGGTTTCCCTCACAAACTCCATCATCACGCGTTCCATCAGCTCCAC[G>C]GCCAGGCCCTGGCTCAGCTCACTTAACACCAGCTCTCTCTCTTGTTTCAACCTACAGGGA-3'
Protein context (NP_003897.2, residues 1163-1183): LVLSELSQGL[Ala1173=]VELMERVMME